The following is an entry in ClinVar:

NM_031407.7(HUWE1):c.5548G>A (p.Ala1850Thr)

Gene: HUWE1 (HECT, UBA and WWE domain containing E3 ubiquitin protein ligase 1; minus strand). Cytogenetic location: Xp11.22.
Variant type: single nucleotide variant.
Coding change: c.5548G>A on transcript NM_031407.7 (MANE Select); coding-DNA position 5548, G replaced by A.
Protein change: p.Ala1850Thr; replaces alanine 1850 with threonine.
Molecular consequence: missense variant.
Genome position (GRCh38, 1-based): chrX:53,580,999, C>T on the plus strand (G>A on the coding strand, the complement: HUWE1 is on the minus strand). VCF-style: chrX-53580999-C-T. GRCh37 (hg19) VCF-style: chrX-53607959-C-T.
Other names: short protein forms A1850T.
Identifiers: ClinVar variation 2660626 (VCV002660626.24), dbSNP rs2525381182, ClinGen allele CA413173333.

ClinVar aggregate classification (germline): Uncertain significance (1 of 4 stars; one submission).

Allele frequency attached by ClinVar (database versions not stated): gnomAD exomes below 0.00001.
gnomAD v4.1: 3 of 1,207,844 alleles (0.00025%); highest among the groups gnomAD compares: Non-Finnish European, 0.00034%; no homozygotes.

Submission:

CeGaT Center for Human Genetics Tuebingen
Classification: Uncertain significance. Last evaluated: 2023-03-01. Review status: criteria provided, single submitter. Criteria: CeGaT Center For Human Genetics Tuebingen Variant Classification Criteria Version 2. Collection method: clinical testing. Allele origin: germline. Affected: yes. Observed: 2 variant alleles.
Comment: HUWE1: PM2, PP2